The following is an entry in ClinVar:

ClinVar aggregate classification (germline): Uncertain significance. Review status: criteria provided, multiple submitters, no conflicts (2 of 4 stars). 6 submissions from 6 submitters: Uncertain significance (6). Last evaluated 2024-11-27.

Conditions:
von Willebrand disease type 1 (VWD1). Also called: VON WILLEBRAND DISEASE, TYPE I; VWD, TYPE 1. Identifiers: Orphanet 166078, Orphanet 903, MedGen C1264039, MONDO:0008668, OMIM 193400. Inheritance: autosomal recessive or autosomal dominant.
von Willebrand disease type 2 (VWD2). Also called: VON WILLEBRAND DISEASE, TYPE II; VON WILLEBRAND DISEASE, TYPE 2A/IIE; VON WILLEBRAND DISEASE, TYPE 2CB; VWD, TYPE 2. Identifiers: Orphanet 166081, Orphanet 903, MedGen C1264040, MONDO:0013304, OMIM 613554.
von Willebrand disease type 3 (VWD3). Also called: Type 3 Von Willebrand's disease; Type 3 VWD; Von Willebrand disease, severe form; V WD3; VON WILLEBRAND DISEASE, TYPE III. Identifiers: Orphanet 166096, MedGen C1264041, MONDO:0010191, OMIM 277480.

Allele frequency attached by ClinVar (database versions not stated): gnomAD exomes 0.00012 and 0.00026; ExAC 0.00033; gnomAD 0.00057 and 0.00058; TOPMed 0.00057; ESP Exome Variant Server 0.00092; 1000 Genomes Project 0.00120; 1000 Genomes Project 30x 0.00141.
gnomAD v4.1: 272 of 1,614,118 alleles (0.017%); highest among the groups gnomAD compares: African/African-American, 0.17%; 1 homozygote.

Submissions (6):

Blueprint Genetics
Classification: Uncertain significance. Last evaluated: 2024-11-27. Review status: criteria provided, single submitter. Criteria: ACMG Guidelines, 2015. Collection method: clinical testing. Allele origin: germline.

Women's Health and Genetics/Laboratory Corporation of America, LabCorp
Classification: Uncertain significance. Last evaluated: 2024-06-07. Review status: criteria provided, single submitter. Criteria: LabCorp Variant Classification Summary - May 2015. Collection method: clinical testing. Allele origin: germline.
Comment: Variant summary: VWF c.8036A>G (p.Asn2679Ser) results in a conservative amino acid change in the encoded protein sequence. Four of five in-silico tools predict a benign effect of the variant on protein function. The variant allele was found at a frequency of 0.00026 in 251442 control chromosomes. This frequency is not significantly higher than estimated for a pathogenic variant in VWF causing Von Willebrand Disease, allowing no conclusion about variant significance. c.8036A>G has been reported in the literature in at least one individual affected with Von Willebrand Disease Type I (Veyradier_2016). These data do not allow any conclusion about variant significance. To our knowledge, no experimental evidence demonstrating an impact on protein function has been reported. The following publication has been ascertained in the context of this evaluation (PMID: 26986123). ClinVar contains an entry for this variant (Variation ID: 501149). Based on the evidence outlined above, the variant was classified as uncertain significance.

Fulgent Genetics
Classification: Uncertain significance for von Willebrand disease type 1; von Willebrand disease type 3; von Willebrand disease type 2. Last evaluated: 2022-01-21. Review status: criteria provided, single submitter. Criteria: ACMG Guidelines, 2015. Collection method: clinical testing. Allele origin: unknown.

Eurofins Ntd Llc (ga)
Classification: Uncertain significance. Last evaluated: 2017-03-27. Review status: criteria provided, single submitter. Criteria: EGL Classification Definitions 2015. Collection method: clinical testing. Allele origin: germline. Observed: 1 variant allele, 1 heterozygote.

Breakthrough Genomics
Classification: Uncertain significance. Review status: criteria provided, single submitter. Criteria: ACMG Guidelines, 2015. Collection method: not provided. Allele origin: germline. Inheritance: Autosomal recessive inheritance. Affected: yes.

ISTH-SSC Genomics in Thrombosis and Hemostasis, KU Leuven, Center for Molecular and Vascular Biology
Classification: Uncertain significance for von Willebrand disease type 1. Review status: criteria provided, single submitter. Criteria: ACMG Guidelines, 2015. Collection method: clinical testing. Allele origin: germline. Affected: yes. Observed: 1 compound heterozygote.
Comment: Submitted to the GoldVariant database by Dr Marie-Christine Morel-Kopp; Northern Blood Research Centre, Sydney, Australia

Literature cited by the submitters: PubMed 26986123 (cited by Women's Health and Genetics/Laboratory Corporation of America, LabCorp).

NM_000552.5(VWF):c.8036A>G (p.Asn2679Ser)

Gene: VWF (von Willebrand factor; minus strand). Cytogenetic location: 12p13.31.
Variant type: single nucleotide variant.
Coding change: c.8036A>G on transcript NM_000552.5 (MANE Select); coding-DNA position 8036, A replaced by G.
Protein change: p.Asn2679Ser; replaces asparagine 2679 with serine.
Molecular consequence: missense variant.
Genome position (GRCh38, 1-based): chr12:5,952,470, T>C on the plus strand (A>G on the coding strand, the complement: VWF is on the minus strand). VCF-style: chr12-5952470-T-C. GRCh37 (hg19) VCF-style: chr12-6061636-T-C.
Other names: short protein forms N2679S.
Identifiers: ClinVar variation 501149 (VCV000501149.10), dbSNP rs151129435, ClinGen allele CA6401416.